The following is an entry in ClinVar:

NM_000949.7(PRLR):c.523G>A (p.Glu175Lys)

Gene: PRLR (prolactin receptor; minus strand). Cytogenetic location: 5p13.2.
Variant type: single nucleotide variant.
Coding change: c.523G>A on transcript NM_000949.7 (MANE Select); coding-DNA position 523, G replaced by A.
Protein change: p.Glu175Lys; replaces glutamic acid 175 with lysine.
Molecular consequence: missense variant. On other transcripts: non-coding transcript variant (1).
Genome position (GRCh38, 1-based): chr5:35,072,595, C>T on the plus strand (G>A on the coding strand, the complement: PRLR is on the minus strand). VCF-style: chr5-35072595-C-T. GRCh37 (hg19) VCF-style: chr5-35072697-C-T.
Other names: c.220G>A, p.Glu74Lys (NM_001204314.2); c.523G>A, p.Glu175Lys (NM_001204315.1, NM_001204316.1, NM_001204317.1 and 1 more transcripts); short protein forms E175K, E74K.
Identifiers: ClinVar variation 3051819 (VCV003051819.2), dbSNP rs762980564, ClinGen allele CA3229863.
Genomic context (GRCh38, chr5:35,072,595, plus strand): 5'-AAAGGCCATAGTTCCTTCAAAAAGCATATGGATCACTCACCTCCCACTCAGCTGCTTTCT[C>T]GGGTTTTAATCGAATTTCATACAGGAGCGTGAACCAACCAGTTTTTAAGTCAATCAGGGT-3'
Protein context (NP_000940.1, residues 165-185): TLLYEIRLKP[Glu175Lys]KAAEWEIHFA

ClinVar aggregate classification (germline): Likely benign (0 of 4 stars; one submission).

Conditions:
PRLR-related disorder. Also called: PRLR-related condition.

Allele frequency attached by ClinVar (database versions not stated): gnomAD 0.00007; gnomAD exomes 0.00007; TOPMed 0.00008; ExAC 0.00018.
gnomAD v4.1: 104 of 1,613,820 alleles (0.0064%); highest among the groups gnomAD compares: East Asian, 0.18%; 1 homozygote.

Submission:

PreventionGenetics, part of Exact Sciences
Classification: Likely benign for PRLR-related condition. Last evaluated: 2023-01-03. Review status: no assertion criteria provided. Collection method: clinical testing. Allele origin: germline.
Comment: This variant is classified as likely benign based on ACMG/AMP sequence variant interpretation guidelines (Richards et al. 2015 PMID: 25741868, with internal and published modifications).